The following is an entry in ClinVar:

NM_017613.4(DONSON):c.1047-9A>G

Gene: DONSON (DNA replication fork stabilization factor DONSON; minus strand). Cytogenetic location: 21q22.11.
Variant type: single nucleotide variant.
Coding change: c.1047-9A>G on transcript NM_017613.4 (MANE Select); 9 bases into the intron before coding-DNA position 1047, A replaced by G.
Molecular consequence: intron variant.
Genome position (GRCh38, 1-based): chr21:33,582,064, T>C on the plus strand (A>G on the coding strand, the complement: DONSON is on the minus strand). VCF-style: chr21-33582064-T-C. GRCh37 (hg19) VCF-style: chr21-34954370-T-C.
Other names: IVS6AS, A-G, -9.
Identifiers: ClinVar variation 431414 (VCV000431414.18), dbSNP rs779149681, ClinGen allele CA10010421.

ClinVar aggregate classification (germline): Pathogenic/Likely pathogenic. Review status: criteria provided, multiple submitters, no conflicts (2 of 4 stars). 10 submissions from 8 submitters: Pathogenic (7); Likely pathogenic (1). 2 of the submissions do not count toward it. Last evaluated 2026-02-25.

Conditions:
DONSON-related disorder. Also called: DONSON-related condition.
DONSON-related disorders.
Microcephaly, short stature, and limb abnormalities. Identifiers: Orphanet 572773, MedGen C4539873, MONDO:0060533, OMIM 617604.
Microcephaly-micromelia syndrome. Identifiers: Orphanet 572768, MedGen C1855079, MONDO:0009619, OMIM 251230.

Allele frequency attached by ClinVar (database versions not stated): TOPMed 0.00002; gnomAD 0.00004; ExAC 0.00005; gnomAD exomes 0.00005.
gnomAD v4.1: 76 of 1,613,826 alleles (0.0047%); highest among the groups gnomAD compares: Non-Finnish European, 0.0058%; no homozygotes.

Submissions (10):

Dasa
Classification: Pathogenic. Last evaluated: 2026-02-25. Review status: criteria provided, single submitter. Criteria: DASA Assertion Criteria. Collection method: clinical testing. Allele origin: germline.
Comment: NM_017613.4(DONSON):c.1047-9A>G is a splice-region variant predicted to affect normal RNA splicing. This variant has been reported in an affected individual with related phenotype in a genotype context consistent with recessive disease (PMID: 28630177). Functional evidence supports a deleterious effect on the gene or gene product (PMID: 28630177). The variant is present at low frequency in population datasets. Based on the available data, this variant is classified as pathogenic.

PreventionGenetics, part of Exact Sciences
Classification: Likely pathogenic for DONSON-related condition. Last evaluated: 2025-06-09. Review status: criteria provided, single submitter. Criteria: ACMG Guidelines, 2015. Collection method: clinical testing. Allele origin: germline.
Comment: The DONSON c.1047-9A>G variant is predicted to interfere with splicing. This variant has been reported in the compound heterozygous and homozygous states in patients with microcephalic dwarfism or microcephaly micromelia syndrome, and segregates with the disease in affected family members (Reynolds et al. 2017. PubMed ID: 28191891; Evrony et al. 2017. PubMed ID: 28630177; Family 15DG2154 in Table S1, Maddirevula. 2020. PubMed ID: 32552793; Shamseldin et al. 2021. PubMed ID: 34645488). This variant is predicted to alter splicing based on available splicing prediction programs (SpliceAI, Jaganathan et al. 2019. PubMed ID: 30661751). In addition, RNA studies suggest that this variant causes intron 6 retention (Evrony et al. 2017. PubMed ID: 28630177). This variant is reported in 0.011% of alleles in individuals of European (Non-Finnish) descent in gnomAD. This variant is interpreted as likely pathogenic.

Blueprint Genetics
Classification: Pathogenic for DONSON-related disorders. Last evaluated: 2024-11-21. Review status: criteria provided, single submitter. Criteria: ACMG Guidelines, 2015. Collection method: clinical testing. Allele origin: germline. Affected: yes. Observed: 5 variant alleles.

GeneDx
Classification: Pathogenic. Last evaluated: 2024-11-21. Review status: criteria provided, single submitter. Criteria: GeneDx Variant Classification Process June 2021. Collection method: clinical testing. Allele origin: germline. Affected: yes.
Comment: In silico analysis supports a deleterious effect on splicing; This variant is associated with the following publications: (PMID: 37644014, 34426522, 29760432, 31191207, 28191891, 32552793, 28630177, 34645488, Michel2024[CaseReport])

Baylor Genetics
Classification: Pathogenic for Microcephaly, short stature, and limb abnormalities. Last evaluated: 2023-12-20. Review status: criteria provided, single submitter. Criteria: ACMG Guidelines, 2015. Collection method: clinical testing. Allele origin: unknown.

Women's Health and Genetics/Laboratory Corporation of America, LabCorp
Classification: Pathogenic for Microcephaly, short stature, and limb abnormalities. Last evaluated: 2022-04-14. Review status: criteria provided, single submitter. Criteria: LabCorp Variant Classification Summary - May 2015. Collection method: clinical testing. Allele origin: germline.
Comment: Variant summary: DONSON c.1047-9A>G alters a non-conserved nucleotide located close to a canonical splice site and therefore could affect mRNA splicing, leading to a significantly altered protein sequence. 4/4 computational tools predict no significant impact on normal splicing. However, multiple publications report the variant to have an impact on splicing, specifically a reduction in DONSON transcript levels compared to normal controls as well as significantly increased retention of intron 6 (Reynolds_2017, Evrony_2017). The variant allele was found at a frequency of 4.8e-05 in 251390 control chromosomes. c.1047-9A>G has been reported in the literature in multiple individuals affected with Microcephaly, Short Stature, And Limb Abnormalities including several members of the same family in the homozygous state (Reynolds_2017, Evrony_2017). These data indicate that the variant is very likely to be associated with disease. Two clinical diagnostic laboratories have submitted clinical-significance assessments for this variant to ClinVar after 2014 without evidence for independent evaluation. One laboratory classified the variant as pathogenic, and one laboratory classified the variant as uncertain significance. Based on the evidence outlined above, the variant was classified as pathogenic.

Labcorp Genetics (formerly Invitae), Labcorp
Classification: Pathogenic. Last evaluated: 2022-03-12. Review status: criteria provided, single submitter. Criteria: Invitae Variant Classification Sherloc (09022015). Collection method: clinical testing. Allele origin: germline.
Comment: For these reasons, this variant has been classified as Pathogenic. Studies have shown that this variant results in retention of intron 6 and introduces a premature termination codon (PMID: 28630177). The resulting mRNA is expected to undergo nonsense-mediated decay. Studies have shown that this variant alters DONSON gene expression (PMID: 28191891). ClinVar contains an entry for this variant (Variation ID: 431414). This variant has been observed in individuals with DONSON-related conditions (PMID: 28191891, 28630177). This variant is present in population databases (rs779149681, gnomAD 0.01%). This sequence change falls in intron 6 of the DONSON gene. It does not directly change the encoded amino acid sequence of the DONSON protein. RNA analysis indicates that this variant induces altered splicing and may result in an absent or disrupted protein product.

Baylor Genetics
Classification: Pathogenic for Microcephaly-micromelia syndrome. Review status: criteria provided, single submitter. Criteria: ACMG Guidelines, 2015. Collection method: clinical testing. Allele origin: unknown.

OMIM
Classification: Pathogenic for MICROCEPHALY-MICROMELIA SYNDROME. Last evaluated: 2026-03-17. Review status: no assertion criteria provided. Collection method: literature only. Allele origin: germline. Not counted in ClinVar's aggregate classification.

OMIM
Classification: Pathogenic for MICROCEPHALY, SHORT STATURE, AND LIMB ABNORMALITIES. Last evaluated: 2026-03-17. Review status: no assertion criteria provided. Collection method: literature only. Allele origin: germline. Not counted in ClinVar's aggregate classification.

Literature cited by the submitters: PubMed 28630177 (cited by 4 submitters); PubMed 28191891 (cited by 3 submitters); PubMed 34645488 (cited by Women's Health and Genetics/Laboratory Corporation of America, LabCorp).